The following is an entry in ClinVar:

NM_000492.4(CFTR):c.2015_2017del (p.Glu672del)

Gene: CFTR (CF transmembrane conductance regulator; plus strand). Cytogenetic location: 7q31.2.
Variant type: Deletion.
Coding change: c.2015_2017del on transcript NM_000492.4 (MANE Select); coding-DNA positions 2015 to 2017, 3 bases deleted (AAG; older notation c.2015_2017delAAG).
Protein change: p.Glu672del; deletes glutamic acid 672.
Molecular consequence: inframe deletion.
Genome position (GRCh38, 1-based): chr7:117,592,182-117,592,184, AAG deleted; deleting any 3 consecutive bases within chr7:117,592,180-117,592,184 gives the same sequence; the c. name uses the placement nearest the transcript's 3' end. VCF-style (leftmost placement, unchanged base first): chr7-117592179-TAGA-T. GRCh37 (hg19) VCF-style: chr7-117232233-TAGA-T.
Other names: c.2013_2015delAGA (NM_000492.3); c.2015_2017delAAG (NM_000492.4).
Identifiers: ClinVar variation 439062 (VCV000439062.9), dbSNP rs397508330, ClinGen allele CA326728.
Genomic context (GRCh38, chr7:117,592,179, plus strand): 5'-ACCAATTTAGTGCAGAAAGAAGAAATTCAATCCTAACTGAGACCTTACACCGTTTCTCAT[TAGA>T]AGGAGATGCTCCTGTCTCCTGGACAGAAACAAAAAAACAATCTTTTAAACAGACTGGAGA-3'

ClinVar aggregate classification (germline): Uncertain significance. Review status: criteria provided, multiple submitters, no conflicts (2 of 4 stars). 4 submissions from 4 submitters: Uncertain significance (4). Last evaluated 2025-09-02.

Conditions:
Cystic fibrosis (CF). Also called: MUCOVISCIDOSIS. Identifiers: Orphanet 586, MedGen C0010674, MONDO:0009061, OMIM 219700. Disease mechanism: loss of function.

Submissions (4):

Women's Health and Genetics/Laboratory Corporation of America, LabCorp
Classification: Uncertain significance. Last evaluated: 2025-09-02. Review status: criteria provided, single submitter. Criteria: LabCorp Variant Classification Summary - May 2015. Collection method: clinical testing. Allele origin: germline.
Comment: Variant summary: CFTR c.2015_2017delAAG (p.Glu672del) results in an in-frame deletion that is predicted to remove one amino acid from the encoded protein. The variant allele was found at a frequency of 4e-06 in 249918 control chromosomes. The available data on variant occurrences in the general population are insufficient to allow any conclusion about variant significance. c.2015_2017delAAG has been observed in an individual affected with Cystic Fibrosis, however, no variant was identified on the second allele (Desgeorges_1997). These report(s) do not provide unequivocal conclusions about association of the variant with Cystic Fibrosis. To our knowledge, no experimental evidence demonstrating an impact on protein function has been reported. The following publication has been ascertained in the context of this evaluation (PMID: 9254864). ClinVar contains an entry for this variant (Variation ID: 439062). Based on the evidence outlined above, the variant was classified as uncertain significance.

Labcorp Genetics (formerly Invitae), Labcorp
Classification: Uncertain significance for Cystic fibrosis. Last evaluated: 2021-08-31. Review status: criteria provided, single submitter. Criteria: Invitae Variant Classification Sherloc (09022015). Collection method: clinical testing. Allele origin: germline.
Comment: This variant, c.2015_2017del, results in the deletion of 1 amino acid(s) of the CFTR protein (p.Glu672del), but otherwise preserves the integrity of the reading frame. This variant is not present in population databases (ExAC no frequency). This variant has been observed in individual(s) with clinical features of cystic fibrosis (PMID: 9254864, 26437683). ClinVar contains an entry for this variant (Variation ID: 439062). Experimental studies and prediction algorithms are not available or were not evaluated, and the functional significance of this variant is currently unknown. In summary, the available evidence is currently insufficient to determine the role of this variant in disease. Therefore, it has been classified as a Variant of Uncertain Significance.

Ambry Genetics
Classification: Uncertain significance for Cystic fibrosis. Last evaluated: 2021-05-13. Review status: criteria provided, single submitter. Criteria: Ambry Variant Classification Scheme 2023. Collection method: clinical testing. Allele origin: germline.
Comment: The c.2015_2017delAAG variant (also known as p.E672del) is located in coding exon 14 of the CFTR gene. This variant results from an in-frame AAG deletion at nucleotide positions 2015 to 2017. This results in the in-frame deletion of a glutamic acid at codon 672. This amino acid position is not well conserved in available vertebrate species. In addition, this alteration is predicted to be neutral by in silico analysis (Choi Y et al. PLoS ONE. 2012; 7(10):e46688). Since supporting evidence is limited at this time, the clinical significance of this alteration remains unclear.

Quest Diagnostics Nichols Institute San Juan Capistrano
Classification: Uncertain significance. Last evaluated: 2017-04-14. Review status: criteria provided, single submitter. Criteria: Quest Diagnostics criteria. Collection method: clinical testing. Allele origin: germline.

Literature cited by the submitters: PubMed 9254864 (cited by 3 submitters); PubMed 26437683 (cited by Labcorp Genetics (formerly Invitae), Labcorp and Quest Diagnostics Nichols Institute San Juan Capistrano); PubMed 20797923 (cited by Quest Diagnostics Nichols Institute San Juan Capistrano).